The following is an entry in ClinVar:

NM_001113378.2(FANCI):c.3664_3665insCT (p.Ser1222fs)

Gene: FANCI (FA complementation group I; plus strand). Cytogenetic location: 15q26.1.
Variant type: Insertion.
Coding change: c.3664_3665insCT on transcript NM_001113378.2 (MANE Select); coding-DNA positions 3664 to 3665, CT inserted.
Protein change: p.Ser1222fs; shifts the reading frame from serine 1222.
Molecular consequence: frameshift variant.
Genome position: GRCh38 VCF-style: chr15-89312916-A-ACT. GRCh37 (hg19) VCF-style: chr15-89856147-A-ACT.
Other names: c.3385_3386insCT, p.Ser1129fs (NM_001376910.1); c.3664_3665insCT, p.Ser1222fs (NM_001376911.1); c.3484_3485insCT, p.Ser1162fs (NM_018193.3); short protein forms S1222fs, S1162fs, S1129fs.
Identifiers: ClinVar variation 2898151 (VCV002898151.3), dbSNP rs2508877889, ClinGen allele CA2739269665.

ClinVar aggregate classification (germline): Pathogenic (1 of 4 stars; one submission).

Conditions:
Fanconi anemia (FA). Also called: Fanconi's anemia. Identifiers: Orphanet 84, MedGen C0015625, MeSH D005199, MONDO:0019391.

Submission:

Labcorp Genetics (formerly Invitae), Labcorp
Classification: Pathogenic for Fanconi anemia. Last evaluated: 2023-06-22. Review status: criteria provided, single submitter. Criteria: Invitae Variant Classification Sherloc (09022015). Collection method: clinical testing. Allele origin: germline.
Comment: This variant has not been reported in the literature in individuals affected with FANCI-related conditions. This sequence change creates a premature translational stop signal (p.Ser1222Thrfs*3) in the FANCI gene. It is expected to result in an absent or disrupted protein product. Loss-of-function variants in FANCI are known to be pathogenic (PMID: 17452773, 17460694). This variant is not present in population databases (gnomAD no frequency). For these reasons, this variant has been classified as Pathogenic.

Literature cited by the submitters: PubMed 17452773; PubMed 17460694.